The following is an entry in ClinVar:

ClinVar aggregate classification (germline): Uncertain significance (1 of 4 stars; one submission).

Allele frequency attached by ClinVar (database versions not stated): ExAC 0.00001; gnomAD 0.00003; TOPMed 0.00003.
gnomAD v4.1: 11 of 1,613,482 alleles (0.00068%); highest among the groups gnomAD compares: African/African-American, 0.0027%; no homozygotes.

Submissions (2):

Labcorp Genetics (formerly Invitae), Labcorp
Classification: Uncertain significance. Last evaluated: 2025-04-13. Review status: criteria provided, single submitter. Criteria: Invitae Variant Classification Sherloc (09022015). Collection method: clinical testing. Allele origin: germline.
Comment: This sequence change affects codon 685 of the CDH2 mRNA. It is a 'silent' change, meaning that it does not change the encoded amino acid sequence of the CDH2 protein. This variant is present in population databases (rs758403489, gnomAD 0.007%). This variant has not been reported in the literature in individuals affected with CDH2-related conditions. ClinVar contains an entry for this variant (Variation ID: 3009748). Algorithms developed to predict the effect of sequence changes on RNA splicing suggest that this variant may create or strengthen a splice site. In summary, the available evidence is currently insufficient to determine the role of this variant in disease. Therefore, it has been classified as a Variant of Uncertain Significance.

Dr. Peter K. Rogan Lab, Western University
No classification provided (evidence only). Condition: Uterine corpus endometrial carcinoma. Review status: no classification provided. Collection method: in vitro. Allele origin: not applicable. Functional consequence: cryptic splice site. Not counted in ClinVar's aggregate classification.

NM_001792.5(CDH2):c.2055G>A (p.Ser685=)

Gene: CDH2 (cadherin 2; minus strand). Cytogenetic location: 18q12.1.
Variant type: single nucleotide variant.
Coding change: c.2055G>A on transcript NM_001792.5 (MANE Select); coding-DNA position 2055, G replaced by A.
Protein change: p.Ser685=; no amino-acid change (serine 685 retained).
Molecular consequence: synonymous variant.
Genome position (GRCh38, 1-based): chr18:27,985,154, C>T on the plus strand (G>A on the coding strand, the complement: CDH2 is on the minus strand). VCF-style: chr18-27985154-C-T. GRCh37 (hg19) VCF-style: chr18-25565118-C-T.
Other names: c.1962G>A, p.Ser654= (NM_001308176.2).
Identifiers: ClinVar variation 3009748 (VCV003009748.4), dbSNP rs758403489, ClinGen allele CA8923249.